The following is an entry in ClinVar:

NM_001351132.2(PEX5):c.754-5C>T

Gene: PEX5 (peroxisomal biogenesis factor 5; plus strand). Cytogenetic location: 12p13.31.
Variant type: single nucleotide variant.
Coding change: c.754-5C>T on transcript NM_001351132.2 (MANE Select); 5 bases into the intron before coding-DNA position 754, C replaced by T.
Molecular consequence: intron variant.
Genome position (GRCh38, 1-based): chr12:7,202,607, C>T. VCF-style: chr12-7202607-C-T. GRCh37 (hg19) VCF-style: chr12-7355203-C-T.
Other names: c.643-5C>T (NM_001351124.3, NM_001351126.2, NM_001374646.1 and 10 more transcripts); c.754-5C>T (NM_001131026.2, NM_001351131.2, NM_001374647.2 and 7 more transcripts); c.688-5C>T (NM_001351135.3, NM_001351138.2); c.799-5C>T (NM_001131023.2).
Identifiers: ClinVar variation 1134399 (VCV001134399.12), dbSNP rs377379933, ClinGen allele CA6426270.

ClinVar aggregate classification (germline): Likely benign. Review status: criteria provided, multiple submitters, no conflicts (2 of 4 stars). 3 submissions from 3 submitters: Likely benign (2). 1 of the submissions does not count toward it. Last evaluated 2026-02-02.

Conditions:
PEX5-related disorder. Also called: PEX5-Related Disorders; PEX5-related condition.
Peroxisome biogenesis disorder 2B (PBD2B). Identifiers: Orphanet 44, MedGen C3550234, MONDO:0008736, OMIM 202370.

Allele frequency attached by ClinVar (database versions not stated): TOPMed 0.00008; gnomAD 0.00009 and 0.00012; ExAC 0.00015; ESP Exome Variant Server 0.00015; gnomAD exomes 0.00015; 1000 Genomes Project 0.00040; 1000 Genomes Project 30x 0.00047.
gnomAD v4.1: 130 of 1,612,878 alleles (0.0081%); highest among the groups gnomAD compares: South Asian, 0.076%; no homozygotes.

Submissions (3):

Labcorp Genetics (formerly Invitae), Labcorp
Classification: Likely benign for Peroxisome biogenesis disorder 2B. Last evaluated: 2026-02-02. Review status: criteria provided, single submitter. Criteria: Invitae Variant Classification Sherloc (09022015). Collection method: clinical testing. Allele origin: germline.

Blueprint Genetics
Classification: Likely benign. Last evaluated: 2024-08-19. Review status: criteria provided, single submitter. Criteria: ACMG Guidelines, 2015. Collection method: clinical testing. Allele origin: germline.

PreventionGenetics, part of Exact Sciences
Classification: Likely benign for PEX5-related condition. Last evaluated: 2019-03-01. Review status: no assertion criteria provided. Collection method: clinical testing. Allele origin: germline. Not counted in ClinVar's aggregate classification.
Comment: This variant is classified as likely benign based on ACMG/AMP sequence variant interpretation guidelines (Richards et al. 2015 PMID: 25741868, with internal and published modifications).